The following is an entry in ClinVar:

NM_018671.5(UNC45A):c.1271G>A (p.Gly424Asp)

Gene: UNC45A (unc-45 myosin chaperone A; plus strand). Cytogenetic location: 15q26.1.
Variant type: single nucleotide variant.
Coding change: c.1271G>A on transcript NM_018671.5 (MANE Select); coding-DNA position 1271, G replaced by A.
Protein change: p.Gly424Asp; replaces glycine 424 with aspartic acid.
Molecular consequence: missense variant.
Genome position (GRCh38, 1-based): chr15:90,946,685, G>A. VCF-style: chr15-90946685-G-A. GRCh37 (hg19) VCF-style: chr15-91489915-G-A.
Other names: c.1226G>A, p.Gly409Asp (NM_001039675.2, NM_001323621.2); c.1271G>A, p.Gly424Asp (NM_001323619.1); c.836G>A, p.Gly279Asp (NM_001323620.2); short protein forms G409D, G279D, G424D.
Identifiers: ClinVar variation 3651406 (VCV003651406.2).

ClinVar aggregate classification (germline): Uncertain significance (1 of 4 stars; one submission).

Submission:

Labcorp Genetics (formerly Invitae), Labcorp
Classification: Uncertain significance. Last evaluated: 2024-05-04. Review status: criteria provided, single submitter. Criteria: Invitae Variant Classification Sherloc (09022015). Collection method: clinical testing. Allele origin: germline.
Comment: This sequence change replaces glycine, which is neutral and non-polar, with aspartic acid, which is acidic and polar, at codon 424 of the UNC45A protein (p.Gly424Asp). This variant is not present in population databases (gnomAD no frequency). This variant has not been reported in the literature in individuals affected with UNC45A-related conditions. Advanced modeling of protein sequence and biophysical properties (such as structural, functional, and spatial information, amino acid conservation, physicochemical variation, residue mobility, and thermodynamic stability) performed at Invitae indicates that this missense variant is expected to disrupt UNC45A protein function with a positive predictive value of 80%. In summary, the available evidence is currently insufficient to determine the role of this variant in disease. Therefore, it has been classified as a Variant of Uncertain Significance.